The following is an entry in ClinVar:

ClinVar aggregate classification (germline): Likely benign (1 of 4 stars; one submission).

Allele frequency attached by ClinVar (database versions not stated): 1000 Genomes Project 30x 0.00468; 1000 Genomes Project 0.00499; TOPMed 0.00935; gnomAD 0.01266 and 0.01284.
gnomAD v4.1: 1,908 of 152,136 alleles (1.3%); highest among the groups gnomAD compares: Middle Eastern, 4.8%; 21 homozygotes.

Submission:

GeneDx
Classification: Likely benign. Last evaluated: 2018-06-14. Review status: criteria provided, single submitter. Criteria: GeneDx Variant Classification (06012015). Collection method: clinical testing. Allele origin: germline. Affected: yes.
Comment: This variant is considered likely benign or benign based on one or more of the following criteria: it is a conservative change, it occurs at a poorly conserved position in the protein, it is predicted to be benign by multiple in silico algorithms, and/or has population frequency not consistent with disease.

NM_006258.4(PRKG1):c.479-188T>C

Gene: PRKG1 (protein kinase cGMP-dependent 1; plus strand). Cytogenetic location: 10q21.1.
Variant type: single nucleotide variant.
Coding change: c.479-188T>C on transcript NM_006258.4 (MANE Select); 188 bases into the intron before coding-DNA position 479, T replaced by C.
Molecular consequence: intron variant.
Genome position (GRCh38, 1-based): chr10:51,467,535, T>C. VCF-style: chr10-51467535-T-C. GRCh37 (hg19) VCF-style: chr10-53227295-T-C.
Other names: c.434-188T>C (NM_001098512.3).
Identifiers: ClinVar variation 679860 (VCV000679860.1), dbSNP rs146748408, ClinGen allele CA207239892.